The following is an entry in ClinVar:

NM_002860.4(ALDH18A1):c.2345A>G (p.Tyr782Cys)

Gene: ALDH18A1 (aldehyde dehydrogenase 18 family member A1; minus strand). Cytogenetic location: 10q24.1.
Variant type: single nucleotide variant.
Coding change: c.2345A>G on transcript NM_002860.4 (MANE Select); coding-DNA position 2345, A replaced by G.
Protein change: p.Tyr782Cys; replaces tyrosine 782 with cysteine.
Molecular consequence: missense variant.
Genome position (GRCh38, 1-based): chr10:95,606,805, T>C on the plus strand (A>G on the coding strand, the complement: ALDH18A1 is on the minus strand). VCF-style: chr10-95606805-T-C. GRCh37 (hg19) VCF-style: chr10-97366562-T-C.
Other names: c.2345A>G (NM_002860.3); c.2339A>G, p.Tyr780Cys (NM_001017423.2, NM_001323415.2); c.2012A>G, p.Tyr671Cys (NM_001323412.2, NM_001323416.2); c.2345A>G, p.Tyr782Cys (NM_001323413.2, NM_001323414.2); c.2240A>G, p.Tyr747Cys (NM_001323417.2); c.2006A>G, p.Tyr669Cys (NM_001323418.2); c.1709A>G, p.Tyr570Cys (NM_001323419.2); short protein forms Y780C, Y782C, Y671C, Y747C, Y669C, Y570C.
Identifiers: ClinVar variation 217273 (VCV000217273.4), dbSNP rs774047299, ClinGen allele CA210101.
Genomic context (GRCh38, chr10:95,606,805, plus strand): 5'-GGTTTTCCTGGCTCTTTTCAGTTGGTGTTTCTCTGAGGAATAGGGAGGTTCTCATGAAGA[T>C]ATTTTAAACTTCCATGCTCTGAGAAATCTGAGACCACGTGGTCCTTCCCTCGCAGCAGCC-3'
Protein context (NP_002851.2, residues 772-792): SDFSEHGSLK[Tyr782Cys]LHENLPIPQR

ClinVar aggregate classification (germline): Uncertain significance. Review status: criteria provided, multiple submitters, no conflicts (2 of 4 stars). 3 submissions from 3 submitters: Uncertain significance (2). 1 of the submissions does not count toward it. Last evaluated 2024-06-28.

Conditions:
ALDH18A1-related de Barsy syndrome. Also called: Cutis laxa, autosomal recessive IIIA; DE BARSY SYNDROME A. Identifiers: Orphanet 2962, Orphanet 35664, MedGen C5234852, MONDO:0009053, OMIM 219150.

Allele frequency attached by ClinVar (database versions not stated): gnomAD 0.00004.
gnomAD v4.1: 41 of 1,614,062 alleles (0.0025%); highest among the groups gnomAD compares: Non-Finnish European, 0.00025%; no homozygotes.

Submissions (3):

GeneDx
Classification: Uncertain significance. Last evaluated: 2024-06-28. Review status: criteria provided, single submitter. Criteria: GeneDx Variant Classification Process June 2021. Collection method: clinical testing. Allele origin: germline. Affected: yes.
Comment: In silico analysis supports that this missense variant has a deleterious effect on protein structure/function; This variant is associated with the following publications: (PMID: 24767728)

Blueprint Genetics
Classification: Uncertain significance. Last evaluated: 2021-06-28. Review status: criteria provided, single submitter. Criteria: ACMG Guidelines, 2015. Collection method: clinical testing. Allele origin: germline.

OMIM
Classification: Pathogenic for CUTIS LAXA, AUTOSOMAL RECESSIVE, TYPE IIIA. Last evaluated: 2014-07-01. Review status: no assertion criteria provided. Collection method: literature only. Allele origin: germline. Not counted in ClinVar's aggregate classification.

Literature cited by the submitters: PubMed 24767728 (cited by OMIM).